The following is an entry in ClinVar:

NM_000108.5(DLD):c.319G>C (p.Ala107Pro)

Gene: DLD (dihydrolipoamide dehydrogenase; plus strand). Cytogenetic location: 7q31.1.
Variant type: single nucleotide variant.
Coding change: c.319G>C on transcript NM_000108.5 (MANE Select); coding-DNA position 319, G replaced by C.
Protein change: p.Ala107Pro; replaces alanine 107 with proline.
Molecular consequence: missense variant.
Genome position (GRCh38, 1-based): chr7:107,903,529, G>C. VCF-style: chr7-107903529-G-C. GRCh37 (hg19) VCF-style: chr7-107543974-G-C.
Other names: p.Ala107Pro; c.22G>C, p.Ala8Pro (NM_001289750.1); c.250G>C, p.Ala84Pro (NM_001289751.1); c.319G>C, p.Ala107Pro (NM_001289752.1); short protein forms A107P, A8P, A84P.
Identifiers: ClinVar variation 4541322 (VCV004541322.1).
Genomic context (GRCh38, chr7:107,903,529, plus strand): 5'-TTCCTTTAGGCTTTATTGAACAACTCTCATTATTACCATATGGCCCATGGAAAAGATTTT[G>C]CATCTAGAGGAATTGAAAGTAAGTATACTTTTCATGCTTAATGATATTACCAGACTGCTT-3'
Protein context (NP_000099.2, residues 97-117): YYHMAHGKDF[Ala107Pro]SRGIEMSEVR

ClinVar aggregate classification (germline): Uncertain significance (1 of 4 stars; one submission).

gnomAD v4.1: 33 of 1,594,624 alleles (0.0021%); highest among the groups gnomAD compares: Non-Finnish European, 0.0028%; no homozygotes.

Submission:

Mayo Clinic Laboratories, Mayo Clinic
Classification: Uncertain significance. Last evaluated: 2025-06-26. Review status: criteria provided, single submitter. Criteria: ACMG Guidelines, 2015. Collection method: clinical testing. Allele origin: germline. Observed: 1 variant allele.
Comment: BP4, PM2_supporting